The following is an entry in ClinVar:

NM_001267550.2(TTN):c.85335dup (p.Lys28446fs)

Genes: TTN (titin; minus strand), TTN-AS1 (TTN antisense RNA 1; plus strand). Cytogenetic location: 2q31.2.
Variant type: Duplication.
Coding change: c.85335dup on transcript NM_001267550.2 (MANE Select); coding-DNA position 85335, one base duplicated (C; older notation c.85335dupC).
Protein change: p.Lys28446fs; shifts the reading frame from lysine 28446.
Molecular consequence: frameshift variant.
Genome position (GRCh38, 1-based): chr2:178,560,797, G duplicated on the plus strand (C on the coding strand, the reverse complement: TTN is on the minus strand). VCF-style (leftmost placement, unchanged base first): chr2-178560796-T-TG. GRCh37 (hg19) VCF-style: chr2-179425523-T-TG.
Other names: c.80412dup, p.Lys26805fs (NM_001256850.1); c.58140dup, p.Lys19381fs (NM_003319.4); c.77631dup, p.Lys25878fs (NM_133378.4); c.58515dup, p.Lys19506fs (NM_133432.3); c.58716dup, p.Lys19573fs (NM_133437.4); c.58140dupC (NM_003319.4); short protein forms K19381fs, K28446fs, K19506fs, K19573fs, K26805fs, K25878fs.
Identifiers: ClinVar variation 5031484 (VCV005031484.1).

ClinVar aggregate classification (germline): Likely pathogenic (1 of 4 stars; one submission).

Conditions:
Cardiovascular phenotype. Identifiers: MedGen CN230736.

Submission:

Ambry Genetics
Classification: Likely pathogenic for Cardiovascular phenotype. Last evaluated: 2026-08-12. Review status: criteria provided, single submitter. Criteria: Ambry Variant Classification Scheme 2023. Collection method: clinical testing. Allele origin: germline.
Comment: The c.58140dupC variant, located in coding exon 153 of the TTN gene, results from a duplication of C at nucleotide position 58140, causing a translational frameshift with a predicted alternate stop codon (p.K19381Qfs*4). This exon is located in the A-band region of the N2-B isoform of the titin protein and is constitutively expressed in TTN transcripts (percent spliced in or PSI 100%). This variant is considered to be rare based on population cohorts in the Genome Aggregation Database (gnomAD). This variant is expected to result in loss of function by premature protein truncation or nonsense-mediated mRNA decay. While truncating variants in TTN are present in 1-3% of the general population, truncating variants in the A-band are the most common cause of dilated cardiomyopathy (Herman DS et al. N. Engl. J. Med., 2012 Feb;366:619-28; Roberts AM et al. Sci Transl Med, 2015 Jan;7:270ra6). TTN truncating variants encoded in constitutive exons (PSI >90%) have been found to be significantly associated with DCM regardless of their position in titin (Schafer S et al. Nat. Genet., 2017 01;49:46-53; Akhtar MM et al. Circ Heart Fail, 2020 Oct;13:e006832; Massier M et al. Clin Genet, 2025 Jan). Based on the majority of available evidence to date, this variant is likely to be pathogenic.